The following is an entry in ClinVar:

NM_006206.6(PDGFRA):c.804C>T (p.Ser268=)

Gene: PDGFRA (platelet derived growth factor receptor alpha; plus strand). Cytogenetic location: 4q12.
Variant type: single nucleotide variant.
Coding change: c.804C>T on transcript NM_006206.6 (MANE Select); coding-DNA position 804, C replaced by T.
Protein change: p.Ser268=; no amino-acid change (serine 268 retained).
Molecular consequence: synonymous variant.
Genome position (GRCh38, 1-based): chr4:54,267,333, C>T. VCF-style: chr4-54267333-C-T. GRCh37 (hg19) VCF-style: chr4-55133500-C-T.
Other names: c.804C>T (NM_006206.4); c.804C>T, p.Ser268= (NM_001347827.2, NM_001347829.2); c.879C>T, p.Ser293= (NM_001347828.2); c.843C>T, p.Ser281= (NM_001347830.2).
Identifiers: ClinVar variation 1092546 (VCV001092546.12), dbSNP rs1577714585, ClinGen allele CA439286042.
Genomic context (GRCh38, chr4:54,267,333, plus strand): 5'-TCCCCTTTTGCTGTAGAAAGGCAAAGGCATCACAATGCTGGAAGAAATCAAAGTCCCATC[C>T]ATCAAATTGGTGTACACTTTGACGGTCCCCGAGGCCACGGTGAAAGACAGTGGAGATTAC-3'
Protein context (NP_006197.1, residues 258-278): ITMLEEIKVP[Ser268=]IKLVYTLTVP

ClinVar aggregate classification (germline): Benign/Likely benign. Review status: criteria provided, multiple submitters, no conflicts (2 of 4 stars). 3 submissions from 3 submitters: Benign (1); Likely benign (2). Last evaluated 2026-06-16.

Conditions:
Gastrointestinal stromal tumor. Also called: Gastrointestinal stroma tumor; Gastrointestinal stromal tumor, somatic. Identifiers: Orphanet 44890, MedGen C0238198, MeSH D046152, MONDO:0011719, OMIM 606764, HP:0100723.
Polyps, multiple and recurrent inflammatory fibroid, gastrointestinal. Identifiers: MedGen C5193005, MONDO:0008285, OMIM 175510.
Hereditary cancer-predisposing syndrome. Also called: Neoplastic Syndromes, Hereditary; Hereditary Cancer Syndrome; Hereditary neoplastic syndrome; Tumor predisposition. Identifiers: Orphanet 140162, MedGen C0027672, MeSH D009386, MONDO:0015356.

Allele frequency attached by ClinVar (database versions not stated): TOPMed 0.00001.

Submissions (3):

Myriad Genetics, Inc.
Classification: Benign for Polyps, multiple and recurrent inflammatory fibroid, gastrointestinal. Last evaluated: 2026-06-16. Review status: criteria provided, single submitter. Criteria: Myriad Autosomal Dominant, Autosomal Recessive and X-Linked Classification Criteria (2023). Collection method: clinical testing. Allele origin: unknown.
Comment: This variant is considered benign. This variant is a silent/synonymous amino acid change and it is not expected to impact splicing.

Labcorp Genetics (formerly Invitae), Labcorp
Classification: Likely benign for Gastrointestinal stromal tumor. Last evaluated: 2025-12-01. Review status: criteria provided, single submitter. Criteria: Invitae Variant Classification Sherloc (09022015). Collection method: clinical testing. Allele origin: germline.

Ambry Genetics
Classification: Likely benign for Hereditary cancer-predisposing syndrome. Last evaluated: 2023-04-28. Review status: criteria provided, single submitter. Criteria: Ambry Variant Classification Scheme 2023. Collection method: clinical testing. Allele origin: germline.